The following is an entry in ClinVar:

ClinVar aggregate classification (germline): Likely pathogenic (1 of 4 stars; one submission).

Conditions:
Hypermanganesemia with dystonia 2 (HMNDYT2). Also called: SLC39A14 Deficiency. Identifiers: Orphanet 521406, MedGen C4310765, MONDO:0014864, OMIM 617013.

Allele frequency attached by ClinVar (database versions not stated): gnomAD exomes below 0.00001.
gnomAD v4.1: 1 of 1,601,308 alleles (0.000062%); highest among the groups gnomAD compares: Non-Finnish European, 0.000085%; no homozygotes.

Submission:

Women's Health and Genetics/Laboratory Corporation of America, LabCorp
Classification: Likely pathogenic for Hypermanganesemia with dystonia 2. Last evaluated: 2023-05-11. Review status: criteria provided, single submitter. Criteria: LabCorp Variant Classification Summary - May 2015. Collection method: clinical testing. Allele origin: germline.
Comment: Variant summary: SLC39A14 c.628-2A>G is located in a canonical splice-site and is predicted to affect mRNA splicing resulting in a significantly altered protein due to either exon skipping, shortening, or inclusion of intronic material. Several computational tools predict a significant impact on normal splicing: Four predict the variant abolishes a 3' acceptor site. However, these predictions have yet to be confirmed by functional studies. The variant was absent in 242038 control chromosomes. To our knowledge, no occurrence of c.628-2A>G in individuals affected with Hypermanganesemia With Dystonia 2 and no experimental evidence demonstrating its impact on protein function have been reported. No clinical diagnostic laboratories have submitted clinical-significance assessments for this variant to ClinVar after 2014. Based on the evidence outlined above, the variant was classified as likely pathogenic.

NM_001128431.4(SLC39A14):c.628-2A>G

Gene: SLC39A14 (solute carrier family 39 member 14; plus strand). Cytogenetic location: 8p21.3.
Variant type: single nucleotide variant.
Coding change: c.628-2A>G on transcript NM_001128431.4 (MANE Select); the canonical splice acceptor site of the intron before coding-DNA position 628, A replaced by G.
Molecular consequence: splice acceptor variant.
Genome position (GRCh38, 1-based): chr8:22,414,778, A>G. VCF-style: chr8-22414778-A-G. GRCh37 (hg19) VCF-style: chr8-22272291-A-G.
Other names: c.628-2A>G (NM_001135154.3, NM_001351656.2, NM_001351655.2 and 3 more transcripts); c.658-2A>G (NM_001351657.2, NM_001351658.2, NM_001351659.2).
Identifiers: ClinVar variation 2506025 (VCV002506025.1), dbSNP rs2487138087, ClinGen allele CA370530545.